The following is an entry in ClinVar:

NM_000379.4(XDH):c.1042G>A (p.Val348Ile)

Gene: XDH (xanthine dehydrogenase; minus strand). Cytogenetic location: 2p23.1.
Variant type: single nucleotide variant.
Coding change: c.1042G>A on transcript NM_000379.4 (MANE Select); coding-DNA position 1042, G replaced by A.
Protein change: p.Val348Ile; replaces valine 348 with isoleucine.
Molecular consequence: missense variant.
Genome position (GRCh38, 1-based): chr2:31,381,723, C>T on the plus strand (G>A on the coding strand, the complement: XDH is on the minus strand). VCF-style: chr2-31381723-C-T. GRCh37 (hg19) VCF-style: chr2-31604589-C-T.
Other names: short protein forms V348I.
Identifiers: ClinVar variation 744561 (VCV000744561.13), dbSNP rs192453952, ClinGen allele CA1599366.
Genomic context (GRCh38, chr2:31,381,723, plus strand): 5'-TGGCCATGAACACGGGGTTGAGGTCGGAGATGGGGCTGGCAGTGATGATGTTCCCTCCAA[C>T]GGACTAAAACAAGCAGAGAGCATGCAGTGAGAGCCCACCCCAGGAAACCCCTGCTCACGT-3'
Protein context (NP_000370.2, residues 338-358): AGKQVKSVAS[Val348Ile]GGNIITASPI

ClinVar aggregate classification (germline): Conflicting classifications of pathogenicity. Review status: criteria provided, conflicting classifications (1 of 4 stars). 3 submissions from 3 submitters: Uncertain significance (1); Likely benign (2). Last evaluated 2026-07-07.

Conditions:
Xanthinuria type II. Also called: Xanthine dehydrogenase and aldehyde oxidase combined deficiency of; XDH and AOX dual deficiency. Identifiers: Orphanet 3467, Orphanet 93602, MedGen C1863688, MONDO:0011346, OMIM 603592.
XDH-related disorder. Also called: XDH-related condition.
Hereditary xanthinuria type 1 (XAN1). Identifiers: Orphanet 3467, Orphanet 93601, MedGen C0268118, MONDO:0010209, OMIM 278300.

Allele frequency attached by ClinVar (database versions not stated): gnomAD exomes 0.00008 and 0.00044; gnomAD 0.00009 and 0.00012; TOPMed 0.00015; ExAC 0.00048; 1000 Genomes Project 0.00080; 1000 Genomes Project 30x 0.00094.
gnomAD v4.1: 137 of 1,612,864 alleles (0.0085%); highest among the groups gnomAD compares: East Asian, 0.21%; no homozygotes.

Submissions (3):

PreventionGenetics, part of Exact Sciences
Classification: Likely benign for XDH-related condition. Last evaluated: 2026-07-07. Review status: criteria provided, single submitter. Criteria: ACMG Guidelines, 2015. Collection method: clinical testing. Allele origin: germline.
Comment: This variant is classified as likely benign based on ACMG/AMP sequence variant interpretation guidelines (Richards et al. 2015 PMID: 25741868, with internal and published modifications).

Labcorp Genetics (formerly Invitae), Labcorp
Classification: Likely benign for Xanthinuria type II. Last evaluated: 2024-10-17. Review status: criteria provided, single submitter. Criteria: Invitae Variant Classification Sherloc (09022015). Collection method: clinical testing. Allele origin: germline.

Illumina Laboratory Services, Illumina
Classification: Uncertain significance for Hereditary xanthinuria type 1. Last evaluated: 2017-04-27. Review status: criteria provided, single submitter. Criteria: ICSL Variant Classification Criteria 13 December 2019. Collection method: clinical testing. Allele origin: germline.